The following is an entry in ClinVar:

ClinVar aggregate classification (germline): Conflicting classifications of pathogenicity. Review status: criteria provided, conflicting classifications (1 of 4 stars). 3 submissions from 3 submitters: Uncertain significance (1); Likely benign (2). Last evaluated 2025-05-11.

Allele frequency attached by ClinVar (database versions not stated): gnomAD exomes 0.00001 and 0.00003; TOPMed 0.00001; gnomAD 0.00002; ExAC 0.00003.
gnomAD v4.1: 24 of 1,613,052 alleles (0.0015%); highest among the groups gnomAD compares: Non-Finnish European, 0.002%; no homozygotes.

Submissions (3):

Labcorp Genetics (formerly Invitae), Labcorp
Classification: Likely benign. Last evaluated: 2025-05-11. Review status: criteria provided, single submitter. Criteria: Invitae Variant Classification Sherloc (09022015). Collection method: clinical testing. Allele origin: germline.

Blueprint Genetics
Classification: Likely benign. Last evaluated: 2024-10-28. Review status: criteria provided, single submitter. Criteria: ACMG Guidelines, 2015. Collection method: clinical testing. Allele origin: germline.

CeGaT Center for Human Genetics Tuebingen
Classification: Uncertain significance. Last evaluated: 2023-08-01. Review status: criteria provided, single submitter. Criteria: CeGaT Center For Human Genetics Tuebingen Variant Classification Criteria Version 2. Collection method: clinical testing. Allele origin: germline. Affected: yes. Observed: 1 variant allele.
Comment: UBA5: PM2, BP4

NM_024818.6(UBA5):c.162-7T>C

Genes: NPHP3-ACAD11 (NPHP3-ACAD11 readthrough (NMD candidate); minus strand), UBA5 (ubiquitin like modifier activating enzyme 5; plus strand). Cytogenetic location: 3q22.1.
Variant type: single nucleotide variant.
Coding change: c.162-7T>C on transcript NM_024818.6 (MANE Select); 7 bases into the intron before coding-DNA position 162, T replaced by C.
Molecular consequence: intron variant.
Genome position (GRCh38, 1-based): chr3:132,665,816, T>C. VCF-style: chr3-132665816-T-C. GRCh37 (hg19) VCF-style: chr3-132384660-T-C.
Other names: c.-7-7T>C (NM_198329.4, NM_001320210.2); c.-39-3002T>C (NM_001321239.1); c.28-3002T>C (NM_001321238.2).
Identifiers: ClinVar variation 1644144 (VCV001644144.34), dbSNP rs769919837, ClinGen allele CA2621281.